The following is an entry in ClinVar:

NM_004380.3(CREBBP):c.1743T>G (p.Ala581=)

Genes: CREBBP (CREB binding lysine acetyltransferase; minus strand), LOC130058353 (ATAC-STARR-seq lymphoblastoid active region 10333; plus strand). Cytogenetic location: 16p13.3.
Variant type: single nucleotide variant.
Coding change: c.1743T>G on transcript NM_004380.3 (MANE Select); coding-DNA position 1743, T replaced by G.
Protein change: p.Ala581=; no amino-acid change (alanine 581 retained).
Molecular consequence: synonymous variant.
Genome position (GRCh38, 1-based): chr16:3,780,812, A>C on the plus strand (T>G on the coding strand, the complement: CREBBP is on the minus strand). VCF-style: chr16-3780812-A-C. GRCh37 (hg19) VCF-style: chr16-3830813-A-C.
Other names: c.1629T>G, p.Ala543= (NM_001079846.1).
Identifiers: ClinVar variation 589590 (VCV000589590.37), dbSNP rs117115765, ClinGen allele CA7870364.

ClinVar aggregate classification (germline): Benign/Likely benign. Review status: criteria provided, multiple submitters, no conflicts (2 of 4 stars). 5 submissions from 5 submitters: Benign (2); Likely benign (3). Last evaluated 2025-12-08.

Conditions:
Rubinstein-Taybi syndrome (RSTS). Identifiers: Orphanet 783, MedGen C0035934, MONDO:0019188.
Inborn genetic diseases. Identifiers: MedGen C0950123, MeSH D030342.

Allele frequency attached by ClinVar (database versions not stated): ExAC 0.00040; ESP Exome Variant Server 0.00008; gnomAD 0.00015 and 0.00020; gnomAD exomes 0.00018 and 0.00037; TOPMed 0.00019; 1000 Genomes Project 30x 0.00031; 1000 Genomes Project 0.00040.
gnomAD v4.1: 299 of 1,613,878 alleles (0.019%); highest among the groups gnomAD compares: South Asian, 0.12%; 3 homozygotes.

Submissions (5):

Labcorp Genetics (formerly Invitae), Labcorp
Classification: Benign for Rubinstein-Taybi syndrome. Last evaluated: 2025-12-08. Review status: criteria provided, single submitter. Criteria: Invitae Variant Classification Sherloc (09022015). Collection method: clinical testing. Allele origin: germline.

CeGaT Center for Human Genetics Tuebingen
Classification: Likely benign. Last evaluated: 2025-08-01. Review status: criteria provided, single submitter. Criteria: CeGaT Center For Human Genetics Tuebingen Variant Classification Criteria Version 2. Collection method: clinical testing. Allele origin: germline. Affected: yes. Observed: 2 variant alleles.
Comment: CREBBP: BP4, BP7

Blueprint Genetics
Classification: Likely benign. Last evaluated: 2024-11-19. Review status: criteria provided, single submitter. Criteria: ACMG Guidelines, 2015. Collection method: clinical testing. Allele origin: germline.

GeneDx
Classification: Benign. Last evaluated: 2020-03-20. Review status: criteria provided, single submitter. Criteria: GeneDx Variant Classification Process June 2021. Collection method: clinical testing. Allele origin: germline. Affected: yes.

Ambry Genetics
Classification: Likely benign for Inborn genetic diseases. Last evaluated: 2017-03-29. Review status: criteria provided, single submitter. Criteria: Ambry Variant Classification Scheme 2023. Collection method: clinical testing. Allele origin: germline.